The following is an entry in ClinVar:

ClinVar aggregate classification (germline): Uncertain significance (1 of 4 stars; one submission).

Conditions:
Arrhythmogenic right ventricular dysplasia 8 (ARVD8). Also called: Arrhythmogenic Right Ventricular Dysplasia/Cardiomyopathy 8; ARRHYTHMOGENIC RIGHT VENTRICULAR DYSPLASIA, FAMILIAL, 8; ARRHYTHMOGENIC RIGHT VENTRICULAR CARDIOMYOPATHY 8. Identifiers: MedGen C1843896, MONDO:0011831, OMIM 607450.
Arrhythmogenic cardiomyopathy with wooly hair and keratoderma. Also called: PALMOPLANTAR KERATODERMA WITH LEFT VENTRICULAR CARDIOMYOPATHY AND WOOLLY HAIR; Carvajal syndrome; Dilated cardiomyopathy with woolly hair and keratoderma; Arrhythmogenic cardiomyopathy with woolly hair and keratoderma. Identifiers: Orphanet 65282, MedGen C1854063, MONDO:0011581, OMIM 605676.

Submission:

Labcorp Genetics (formerly Invitae), Labcorp
Classification: Uncertain significance for Arrhythmogenic cardiomyopathy with wooly hair and keratoderma; Arrhythmogenic right ventricular dysplasia 8. Last evaluated: 2024-04-25. Review status: criteria provided, single submitter. Criteria: Invitae Variant Classification Sherloc (09022015). Collection method: clinical testing. Allele origin: germline.
Comment: This sequence change replaces serine, which is neutral and polar, with alanine, which is neutral and non-polar, at codon 2792 of the DSP protein (p.Ser2792Ala). This variant is not present in population databases (gnomAD no frequency). This variant has not been reported in the literature in individuals affected with DSP-related conditions. An algorithm developed to predict the effect of missense changes on protein structure and function (PolyPhen-2) suggests that this variant is likely to be tolerated. In summary, the available evidence is currently insufficient to determine the role of this variant in disease. Therefore, it has been classified as a Variant of Uncertain Significance.

NM_004415.4(DSP):c.8374T>G (p.Ser2792Ala)

Gene: DSP (desmoplakin; plus strand). Cytogenetic location: 6p24.3.
Variant type: single nucleotide variant.
Coding change: c.8374T>G on transcript NM_004415.4 (MANE Select); coding-DNA position 8374, T replaced by G.
Protein change: p.Ser2792Ala; replaces serine 2792 with alanine.
Molecular consequence: missense variant.
Genome position (GRCh38, 1-based): chr6:7,585,636, T>G. VCF-style: chr6-7585636-T-G. GRCh37 (hg19) VCF-style: chr6-7585869-T-G.
Other names: c.6577T>G, p.Ser2193Ala (NM_001008844.3); c.7045T>G, p.Ser2349Ala (NM_001319034.2); short protein forms S2193A, S2349A, S2792A.
Identifiers: ClinVar variation 3750019 (VCV003750019.2).